The following is an entry in ClinVar:

ClinVar aggregate classification (germline): Likely benign (1 of 4 stars; one submission).

gnomAD v4.1: 5 of 1,613,282 alleles (0.00031%); highest among the groups gnomAD compares: Non-Finnish European, 0.00042%; no homozygotes.

Submission:

CeGaT Center for Human Genetics Tuebingen
Classification: Likely benign. Last evaluated: 2023-03-01. Review status: criteria provided, single submitter. Criteria: CeGaT Center For Human Genetics Tuebingen Variant Classification Criteria Version 2. Collection method: clinical testing. Allele origin: germline. Affected: yes. Observed: 1 variant allele.
Comment: PLXNB2: BP4, BP7

NM_012401.4(PLXNB2):c.2610G>C (p.Thr870=)

Gene: PLXNB2 (plexin B2; minus strand). Cytogenetic location: 22q13.33.
Variant type: single nucleotide variant.
Coding change: c.2610G>C on transcript NM_012401.4 (MANE Select); coding-DNA position 2610, G replaced by C.
Protein change: p.Thr870=; no amino-acid change (threonine 870 retained).
Molecular consequence: synonymous variant.
Genome position (GRCh38, 1-based): chr22:50,283,406, C>G on the plus strand (G>C on the coding strand, the complement: PLXNB2 is on the minus strand). VCF-style: chr22-50283406-C-G. GRCh37 (hg19) VCF-style: chr22-50721835-C-G.
Other names: c.2610G>C, p.Thr870= (NM_001376864.1, NM_001376866.1, NM_001376867.1 and 18 more transcripts); c.2679G>C, p.Thr893= (NM_001376865.1); c.2517G>C, p.Thr839= (NM_001376886.1).
Identifiers: ClinVar variation 2653377 (VCV002653377.24), dbSNP rs190910795, ClinGen allele CA515379995.